The following is an entry in ClinVar:

NM_013275.6(ANKRD11):c.438del (p.Gln147fs)

Gene: ANKRD11 (ankyrin repeat domain 11; minus strand). Cytogenetic location: 16q24.3.
Variant type: Deletion.
Coding change: c.438del on transcript NM_013275.6 (MANE Select); coding-DNA position 438, one base deleted (T; older notation c.438delT).
Protein change: p.Gln147fs; shifts the reading frame from glutamine 147.
Molecular consequence: frameshift variant. On other transcripts: non-coding transcript variant (1).
Genome position (GRCh38, 1-based): chr16:89,290,788, A deleted on the plus strand (T on the coding strand, the reverse complement: ANKRD11 is on the minus strand). VCF-style (leftmost placement, unchanged base first): chr16-89290787-GA-G. GRCh37 (hg19) VCF-style: chr16-89357195-GA-G.
Other names: c.438del, p.Gln147fs (NM_001256182.2, NM_001256183.2); short protein forms Q147fs.
Identifiers: ClinVar variation 4532231 (VCV004532231.1).

ClinVar aggregate classification (germline): Likely pathogenic (1 of 4 stars; one submission).

Conditions:
KBG syndrome (KBGS). Also called: ANKRD11-Related KBG Syndrome. Identifiers: Orphanet 2332, MedGen C0220687, MONDO:0007846, OMIM 148050.

Submission:

MVZ Medizinische Genetik Mainz
Classification: Likely pathogenic for KBG syndrome. Last evaluated: 2025-10-23. Review status: criteria provided, single submitter. Criteria: UK Practice Guidelines For Variant Classification V4 01 2020. Collection method: clinical testing. Allele origin: germline. Inheritance: Autosomal dominant inheritance. Affected: yes. Observed: 1 variant allele.
Comment: ACMG Criteria: PVS1,PM2_SUP